The following is an entry in ClinVar:

NM_000321.3(RB1):c.217A>T (p.Arg73Ter)

Gene: RB1 (RB transcriptional corepressor 1; plus strand). Cytogenetic location: 13q14.2.
Variant type: single nucleotide variant.
Coding change: c.217A>T on transcript NM_000321.3 (MANE Select); coding-DNA position 217, A replaced by T.
Protein change: p.Arg73Ter; replaces arginine 73 with a stop codon.
Molecular consequence: nonsense.
Genome position (GRCh38, 1-based): chr13:48,307,359, A>T. VCF-style: chr13-48307359-A-T. GRCh37 (hg19) VCF-style: chr13-48881495-A-T.
Other names: c.217A>T, p.Arg73Ter (NM_001407165.1, NM_001407166.1, NM_001407167.1); short protein forms R73*.
Identifiers: ClinVar variation 3377797 (VCV003377797.1).

ClinVar aggregate classification (germline): Pathogenic (1 of 4 stars; one submission).

Conditions:
Retinoblastoma (RB1). Also called: RETINOBLASTOMA, SOMATIC. Identifiers: Orphanet 790, MedGen C0035335, MeSH D012175, MONDO:0008380, OMIM 180200, HP:0009919. Disease mechanism: loss of function. Inheritance: Both sporadic and heritable forms are tested..

Submission:

St. Jude Molecular Pathology, St. Jude Children's Research Hospital
Classification: Pathogenic for Retinoblastoma. Last evaluated: 2024-04-24. Review status: criteria provided, single submitter. Criteria: St. Jude Assertion Criteria 2020. Collection method: clinical testing. Allele origin: germline. Affected: yes.
Comment: The RB1 c.217A>T (p.Arg73Ter) change is a nonsense variant that is predicted to cause premature protein truncation or absence of protein due to nonsense-mediated decay. This variant is absent in gnomAD v2.1.1. In summary, this variant meets criteria to be classified as pathogenic.